The following is an entry in ClinVar:

ClinVar aggregate classification (germline): Uncertain significance (1 of 4 stars; one submission).

Conditions:
Familial intrahepatic cholestasis. Identifiers: Orphanet 284385, MedGen CN296401, MONDO:0017290.

Submission:

Genomenon, Inc
Classification: Uncertain significance for Familial intrahepatic cholestasis. Last evaluated: 2026-04-14. Review status: criteria provided, single submitter. Criteria: Genomenon Sequence Variant Interpretation Standards - Updated. Collection method: curation. Allele origin: germline. Affected: yes.
Comment: ABCB11 p.Arg303Gly (c.907A>G) is a missense variant that changes the amino acid at residue 303 from Arginine to Glycine. This variant has been observed in at least one proband with an ABCB11-related disorder (PMID:19797282). Functional studies have been reported (PMID:19797282). It is absent or not present at a significant frequency in gnomAD. In silico models predict that this variant is possibly or probably damaging. In conclusion, we classify ABCB11 p.Arg303Gly (c.907A>G) as a variant of uncertain significance.

Literature cited by the submitters: PubMed 19797282.

NM_003742.4(ABCB11):c.907A>G (p.Arg303Gly)

Gene: ABCB11 (ATP binding cassette subfamily B member 11; minus strand). Cytogenetic location: 2q31.1.
Variant type: single nucleotide variant.
Coding change: c.907A>G on transcript NM_003742.4 (MANE Select); coding-DNA position 907, A replaced by G.
Protein change: p.Arg303Gly; replaces arginine 303 with glycine.
Molecular consequence: missense variant.
Genome position (GRCh38, 1-based): chr2:168,990,802, T>C on the plus strand (A>G on the coding strand, the complement: ABCB11 is on the minus strand). VCF-style: chr2-168990802-T-C. GRCh37 (hg19) VCF-style: chr2-169847312-T-C.
Other names: short protein forms R303G.
Identifiers: ClinVar variation 4846149 (VCV004846149.1).